The following is an entry in ClinVar:

NM_025132.4(WDR19):c.2646-16G>A

Gene: WDR19 (WD repeat domain 19; plus strand). Cytogenetic location: 4p14.
Variant type: single nucleotide variant.
Coding change: c.2646-16G>A on transcript NM_025132.4 (MANE Select); 16 bases into the intron before coding-DNA position 2646, G replaced by A.
Molecular consequence: intron variant.
Genome position (GRCh38, 1-based): chr4:39,245,353, G>A. VCF-style: chr4-39245353-G-A. GRCh37 (hg19) VCF-style: chr4-39246973-G-A.
Other names: c.2166-16G>A (NM_001317924.2).
Identifiers: ClinVar variation 2196882 (VCV002196882.3), dbSNP rs750485530, ClinGen allele CA550720021.
Genomic context (GRCh38, chr4:39,245,353, plus strand): 5'-CTAACATTTGGTTATAGCAGGCTACTTTTGGAGTGAACACAGTACTCATACTGTTCTCCT[G>A]GACCTACCTTTCCAGGGCAAAAGTTGGTGATCTTCTGCCCCACGTTTCTTCTCCTAAGAT-3'

ClinVar aggregate classification (germline): Uncertain significance (1 of 4 stars; one submission).

Conditions:
Asphyxiating thoracic dystrophy 5 (SRTD5). Also called: SHORT-RIB THORACIC DYSPLASIA 5 WITHOUT POLYDACTYLY; SHORT-RIB THORACIC DYSPLASIA 5 WITH OR WITHOUT POLYDACTYLY. Identifiers: Orphanet 474, MedGen C3280598, MONDO:0013717, OMIM 614376.
Senior-Loken syndrome 8 (SLSN8). Identifiers: Orphanet 3156, MedGen C4225376, MONDO:0014579, OMIM 616307.

gnomAD v4.1: 3 of 1,609,822 alleles (0.00019%); highest among the groups gnomAD compares: Admixed American, 0.0034%; no homozygotes.

Submission:

Labcorp Genetics (formerly Invitae), Labcorp
Classification: Uncertain significance for Senior-Loken syndrome 8; Asphyxiating thoracic dystrophy 5. Last evaluated: 2021-11-20. Review status: criteria provided, single submitter. Criteria: Invitae Variant Classification Sherloc (09022015). Collection method: clinical testing. Allele origin: germline.
Comment: This sequence change falls in intron 23 of the WDR19 gene. It does not directly change the encoded amino acid sequence of the WDR19 protein. This variant is present in population databases (no rsID available, gnomAD 0.006%). This variant has not been reported in the literature in individuals affected with WDR19-related conditions. Algorithms developed to predict the effect of sequence changes on RNA splicing suggest that this variant may create or strengthen a splice site. In summary, the available evidence is currently insufficient to determine the role of this variant in disease. Therefore, it has been classified as a Variant of Uncertain Significance.